The following is an entry in ClinVar:

NM_033427.3(CTTNBP2):c.148G>A (p.Gly50Arg)

Gene: CTTNBP2 (cortactin binding protein 2; minus strand). Cytogenetic location: 7q31.31.
Variant type: single nucleotide variant.
Coding change: c.148G>A on transcript NM_033427.3 (MANE Select); coding-DNA position 148, G replaced by A.
Protein change: p.Gly50Arg; replaces glycine 50 with arginine.
Molecular consequence: missense variant. On other transcripts: 5 prime UTR variant (2).
Genome position (GRCh38, 1-based): chr7:117,861,250, C>T on the plus strand (G>A on the coding strand, the complement: CTTNBP2 is on the minus strand). VCF-style: chr7-117861250-C-T. GRCh37 (hg19) VCF-style: chr7-117501304-C-T.
Other names: c.94G>A, p.Gly32Arg (NM_001363349.1); c.-1787G>A (NM_001363350.1, NM_001363351.1); short protein forms G32R, G50R.
Identifiers: ClinVar variation 3032892 (VCV003032892.3), dbSNP rs2485182166, ClinGen allele CA369126614.
Genomic context (GRCh38, chr7:117,861,250, plus strand): 5'-ACTCCTGTGTCGTCCTTACCCGCAGGGCCTCGATGACAAGGTCTCTGGCCTCCAGCTCCC[C>T]TTCCATCACGCTGAGGAGCATCCGCAGCTCGGATTTACTGAGAGTATCCACATCAAACTC-3'
Protein context (NP_219499.1, residues 40-60): ELRMLLSVME[Gly50Arg]ELEARDLVIE

ClinVar aggregate classification (germline): Uncertain significance. Review status: criteria provided, single submitter (1 of 4 stars). 2 submissions from 2 submitters: Uncertain significance (1). 1 of the submissions does not count toward it. Last evaluated 2025-08-24.

Conditions:
CTTNBP2-related disorder. Also called: CTTNBP2-related condition.

Allele frequency attached by ClinVar (database versions not stated): gnomAD exomes below 0.00001.
gnomAD v4.1: 1 of 1,613,824 alleles (0.000062%); highest among the groups gnomAD compares: Admixed American, 0.0017%; no homozygotes.

Submissions (2):

Ambry Genetics
Classification: Uncertain significance. Last evaluated: 2025-08-24. Review status: criteria provided, single submitter. Criteria: Ambry Variant Classification Scheme 2023. Collection method: clinical testing. Allele origin: germline.

PreventionGenetics, part of Exact Sciences
Classification: Uncertain significance for CTTNBP2-related condition. Last evaluated: 2023-12-15. Review status: no assertion criteria provided. Collection method: clinical testing. Allele origin: germline. Not counted in ClinVar's aggregate classification.
Comment: The CTTNBP2 c.148G>A variant is predicted to result in the amino acid substitution p.Gly50Arg. To our knowledge, this variant has not been reported in the literature or in a large population database, indicating this variant is rare. At this time, the clinical significance of this variant is uncertain due to the absence of conclusive functional and genetic evidence.